The following is an entry in ClinVar:

NM_000371.4(TTR):c.359C>G (p.Ser120Cys)

Gene: TTR (transthyretin; plus strand). Cytogenetic location: 18q12.1.
Variant type: single nucleotide variant.
Coding change: c.359C>G on transcript NM_000371.4 (MANE Select); coding-DNA position 359, C replaced by G.
Protein change: p.Ser120Cys; replaces serine 120 with cysteine.
Molecular consequence: missense variant.
Genome position (GRCh38, 1-based): chr18:31,598,590, C>G. VCF-style: chr18-31598590-C-G. GRCh37 (hg19) VCF-style: chr18-29178553-C-G.
Other names: short protein forms S120C.
Identifiers: ClinVar variation 4855495 (VCV004855495.1).

ClinVar aggregate classification (germline): Uncertain significance (1 of 4 stars; one submission).

Conditions:
Amyloidosis, hereditary systemic 1 (AMYLD1). Also called: AMYLOID CARDIOMYOPATHY; Hereditary oculoleptomeningeal amyloid angiopathy; Familial Transthyretin Amyloidosis; Isolated Cardiac Amyloidosis; Amyloid Cardiomyopathy, Transthyretin-related; Familial amyloid polyneuropathy. Identifiers: Orphanet 85447, Orphanet 85451, MedGen C2751492, MONDO:0971004, OMIM 105210.

Submission:

3billion
Classification: Uncertain significance for Amyloidosis, hereditary systemic 1. Last evaluated: 2025-08-01. Review status: criteria provided, single submitter. Criteria: ACMG Guidelines, 2015. Collection method: clinical testing. Allele origin: germline. Affected: yes.
Comment: The variant is not observed in the gnomAD v4.1.0 dataset. Predicted Consequence/Location: Missense variant. Missense changes are a common disease-causing mechanism. In silico tool predictions suggest damaging effect of the variant on gene or gene product [3Cnet: 0.88 (> 0.75, sensitivity 0.96 and precision 0.92)]. Different missense changes at the same codon have been reported as of uncertain significance (ClinVar ID: VCV000626842). Therefore, this variant is classified as VUS according to the recommendation of ACMG/AMP guideline.